The following is an entry in ClinVar:

NM_000090.4(COL3A1):c.3462T>G (p.Ser1154Arg)

Gene: COL3A1 (collagen type III alpha 1 chain; plus strand). Cytogenetic location: 2q32.2.
Variant type: single nucleotide variant.
Coding change: c.3462T>G on transcript NM_000090.4 (MANE Select); coding-DNA position 3462, T replaced by G.
Protein change: p.Ser1154Arg; replaces serine 1154 with arginine.
Molecular consequence: missense variant.
Genome position (GRCh38, 1-based): chr2:189,008,079, T>G. VCF-style: chr2-189008079-T-G. GRCh37 (hg19) VCF-style: chr2-189872805-T-G.
Other names: short protein forms S1154R.
Identifiers: ClinVar variation 424386 (VCV000424386.59), dbSNP rs769100283, ClinGen allele CA076134.

ClinVar aggregate classification (germline): Uncertain significance. Review status: criteria provided, multiple submitters, no conflicts (2 of 4 stars). 6 submissions from 6 submitters: Uncertain significance (6). Last evaluated 2025-11-13.

Conditions:
Ehlers-Danlos syndrome, type 3. Also called: Ehlers-Danlos Syndrome, Hypermobility Type; EDS3 (formerly); Ehlers-Danlos syndrome type 3 (formerly); EHLERS-DANLOS SYNDROME, TYPE III; Hypermobile Ehlers-Danlos Syndrome; BENIGN HYPERMOBILITY SYNDROME. Identifiers: Orphanet 285, MedGen C0268337, MONDO:0007523, OMIM 130020.
Ehlers-Danlos syndrome, type 4 (EDSVASC). Also called: Ehlers-Danlos syndrome vascular type; Ehlers Danlos syndrome, ecchymotic type; Ehlers Danlos syndrome, arterial type; Ehlers Danlos syndrome, Sack-Barabas type; Ehlers-Danlos Syndrome Type IV. Identifiers: Orphanet 286, MedGen C0268338, MONDO:0017314, OMIM 130050.
Familial thoracic aortic aneurysm and aortic dissection (TAAD). Also called: Thoracic aortic aneurysms and dissections. Identifiers: Orphanet 91387, MedGen C4707243, MONDO:0019625.

Allele frequency attached by ClinVar (database versions not stated): gnomAD exomes 0.00002 and 0.00004; ExAC 0.00004.
gnomAD v4.1: 24 of 1,614,050 alleles (0.0015%); highest among the groups gnomAD compares: South Asian, 0.025%; no homozygotes.

Submissions (6):

GeneDx
Classification: Uncertain significance. Last evaluated: 2025-11-13. Review status: criteria provided, single submitter. Criteria: GeneDx Variant Classification Process June 2021. Collection method: clinical testing. Allele origin: germline. Affected: yes.
Comment: In silico analysis supports that this missense variant has a deleterious effect on protein structure/function; Has not been previously published as pathogenic or benign to our knowledge; Occurs in the triple helical domain at the Y position in the canonical Gly-X-Y repeat; although this variant may have an effect on normal protein folding and function, missense substitution at the Y position is not a common mechanism of disease (HGMD)

All of Us Research Program, National Institutes of Health
Classification: Uncertain significance for Ehlers-Danlos syndrome, type 4. Last evaluated: 2024-09-23. Review status: criteria provided, single submitter. Criteria: ACMG Guidelines, 2015. Collection method: clinical testing. Allele origin: germline. Inheritance: Autosomal dominant inheritance. Observed: 2 variant alleles, 2 heterozygotes.
Comment: This missense variant replaces serine with arginine at codon 1154 of the COL3A1 protein. Computational prediction is inconclusive regarding the impact of this variant on protein structure and function (internally defined REVEL score threshold 0.5 < inconclusive < 0.7, PMID: 27666373). To our knowledge, functional studies have not been reported for this variant. This variant has not been reported in individuals affected with cardiovascular disorders in the literature. This variant has been identified in 10/250910 chromosomes in the general population by the Genome Aggregation Database (gnomAD). The available evidence is insufficient to determine the role of this variant in disease conclusively. Therefore, this variant is classified as a Variant of Uncertain Significance.

This study involves interpretation of variants in research participants for the purpose of population health screening. Participant phenotype was not available at the time of variant classification. Additional details can be found in publication PMID: 35346344, PMCID: PMC8962531

Color Diagnostics, LLC DBA Color Health
Classification: Uncertain significance for Familial thoracic aortic aneurysm and aortic dissection. Last evaluated: 2024-03-06. Review status: criteria provided, single submitter. Criteria: ACMG Guidelines, 2015. Collection method: clinical testing. Allele origin: germline.
Comment: This missense variant replaces serine with arginine at codon 1154 of the COL3A1 protein. Computational prediction is inconclusive regarding the impact of this variant on protein structure and function (internally defined REVEL score threshold 0.5 < inconclusive < 0.7, PMID: 27666373). To our knowledge, functional studies have not been reported for this variant. This variant has not been reported in individuals affected with cardiovascular disorders in the literature. This variant has been identified in 10/250910 chromosomes in the general population by the Genome Aggregation Database (gnomAD). The available evidence is insufficient to determine the role of this variant in disease conclusively. Therefore, this variant is classified as a Variant of Uncertain Significance.

Department of Pathology and Laboratory Medicine, Sinai Health System
Classification: Uncertain significance for Ehlers-Danlos syndrome, vascular type. Last evaluated: 2023-04-24. Review status: criteria provided, single submitter. Criteria: ACMG Guidelines, 2015. Collection method: research. Allele origin: germline.

Labcorp Genetics (formerly Invitae), Labcorp
Classification: Uncertain significance for Ehlers-Danlos syndrome, type 4. Last evaluated: 2022-05-27. Review status: criteria provided, single submitter. Criteria: Invitae Variant Classification Sherloc (09022015). Collection method: clinical testing. Allele origin: germline.
Comment: This sequence change replaces serine, which is neutral and polar, with arginine, which is basic and polar, at codon 1154 of the COL3A1 protein (p.Ser1154Arg). This variant is present in population databases (rs769100283, gnomAD 0.03%). This variant has not been reported in the literature in individuals affected with COL3A1-related conditions. ClinVar contains an entry for this variant (Variation ID: 424386). Advanced modeling of protein sequence and biophysical properties (such as structural, functional, and spatial information, amino acid conservation, physicochemical variation, residue mobility, and thermodynamic stability) performed at Invitae indicates that this missense variant is not expected to disrupt COL3A1 protein function. In summary, the available evidence is currently insufficient to determine the role of this variant in disease. Therefore, it has been classified as a Variant of Uncertain Significance.

CeGaT Center for Human Genetics Tuebingen
Classification: Uncertain significance. Last evaluated: 2019-03-01. Review status: criteria provided, single submitter. Criteria: CeGaT Center For Human Genetics Tuebingen Variant Classification Criteria Version 2. Collection method: clinical testing. Allele origin: germline. Affected: yes. Observed: 1 variant allele.